The following is an entry in ClinVar:

NM_152296.5(ATP1A3):c.2600G>A (p.Gly867Asp)

Gene: ATP1A3 (ATPase Na+/K+ transporting subunit alpha 3; minus strand). Cytogenetic location: 19q13.2.
Variant type: single nucleotide variant.
Coding change: c.2600G>A on transcript NM_152296.5 (MANE Select); coding-DNA position 2600, G replaced by A.
Protein change: p.Gly867Asp; replaces glycine 867 with aspartic acid.
Molecular consequence: missense variant.
Genome position (GRCh38, 1-based): chr19:41,969,523, C>T on the plus strand (G>A on the coding strand, the complement: ATP1A3 is on the minus strand). VCF-style: chr19-41969523-C-T. GRCh37 (hg19) VCF-style: chr19-42473675-C-T.
Other names: c.2633G>A, p.Gly878Asp (NM_001256213.2); c.2639G>A, p.Gly880Asp (NM_001256214.2); short protein forms G867D, G878D, G880D.
Identifiers: ClinVar variation 161146 (VCV000161146.7), dbSNP rs606231442, ClinGen allele CA346032.
Genomic context (GRCh38, chr19:41,969,523, plus strand): 5'-TCATTGACGGTGCGGTCATCCCAGTTCAGCCGGATGCCCACCAGGTTGCCGGGCAAGAAG[C>T]CATTTTCTGCCAGGATCACAAAGTAAGAGAAGAAGCCACCGAGAGCCTGGATCATTCCTG-3'
Protein context (NP_689509.1, residues 857-877): FSYFVILAEN[Gly867Asp]FLPGNLVGIR

ClinVar aggregate classification (germline): Pathogenic. Review status: criteria provided, multiple submitters, no conflicts (2 of 4 stars). 3 submissions from 3 submitters: Pathogenic (2). 1 of the submissions does not count toward it. Last evaluated 2025-09-24.

Conditions:
Developmental and epileptic encephalopathy 99. Identifiers: MedGen C5562018, MONDO:0030473, OMIM 619606.
Dystonia 12 (DYT12). Also called: DYT-ATP1A3; Rapid-Onset Dystonia-Parkinsonism (RDP). Identifiers: Orphanet 71517, MedGen C1868681, MONDO:0007496, OMIM 128235.

Submissions (3):

Genesolutions, Medical Genetics Institutes, Ho Chi Minh City, Vietnam
Classification: Pathogenic for Developmental and epileptic encephalopathy 99. Last evaluated: 2025-09-24. Review status: criteria provided, single submitter. Criteria: ACMG Guidelines, 2015. Collection method: clinical testing. Allele origin: germline. Affected: yes.

GeneDx
Classification: Pathogenic. Last evaluated: 2024-12-11. Review status: criteria provided, single submitter. Criteria: GeneDx Variant Classification Process June 2021. Collection method: clinical testing. Allele origin: germline. Affected: yes.
Comment: Not observed at significant frequency in large population cohorts (gnomAD); In silico analysis supports that this missense variant has a deleterious effect on protein structure/function; This variant is associated with the following publications: (PMID: 20301294, 30713930, 24713507)

GeneReviews
No classification provided. Condition: Dystonia 12. Review status: no classification provided. Collection method: literature only. Allele origin: germline. Not counted in ClinVar's aggregate classification.

Literature cited by the submitters: NCBI Bookshelf NBK1115 (cited by GeneReviews).